The following is an entry in ClinVar:

NM_012481.5(IKZF3):c.951C>T (p.Ala317=)

Gene: IKZF3 (IKAROS family zinc finger 3; minus strand). Cytogenetic location: 17q12.
Variant type: single nucleotide variant.
Coding change: c.951C>T on transcript NM_012481.5 (MANE Select); coding-DNA position 951, C replaced by T.
Protein change: p.Ala317=; no amino-acid change (alanine 317 retained).
Molecular consequence: synonymous variant.
Genome position (GRCh38, 1-based): chr17:39,766,369, G>A on the plus strand (C>T on the coding strand, the complement: IKZF3 is on the minus strand). VCF-style: chr17-39766369-G-A. GRCh37 (hg19) VCF-style: chr17-37922622-G-A.
Other names: c.849C>T, p.Ala283= (NM_001257408.2); c.732C>T, p.Ala244= (NM_001257409.2); c.690C>T, p.Ala230= (NM_001257410.2); c.522C>T, p.Ala174= (NM_001257411.2); c.405C>T, p.Ala135= (NM_001257412.2); c.288C>T, p.Ala96= (NM_001257413.2); c.549C>T, p.Ala183= (NM_001257414.2); c.210C>T, p.Ala70= (NM_001284514.2, NM_001284515.2, NM_001284516.1); and 4 more.
Identifiers: ClinVar variation 718369 (VCV000718369.27), dbSNP rs115944615, ClinGen allele CA8535502.

ClinVar aggregate classification (germline): Benign/Likely benign. Review status: criteria provided, multiple submitters, no conflicts (2 of 4 stars). 3 submissions from 3 submitters: Benign (2); Likely benign (1). Last evaluated 2024-11-01.

Allele frequency attached by ClinVar (database versions not stated): 1000 Genomes Project 0.00140; 1000 Genomes Project 30x 0.00187; TOPMed 0.00356; gnomAD 0.00362 and 0.00380; ESP Exome Variant Server 0.00446.
gnomAD v4.1: 8,149 of 1,614,186 alleles (0.5%); highest among the groups gnomAD compares: Non-Finnish European, 0.6%; 38 homozygotes.

Submissions (3):

CeGaT Center for Human Genetics Tuebingen
Classification: Likely benign. Last evaluated: 2024-11-01. Review status: criteria provided, single submitter. Criteria: CeGaT Center For Human Genetics Tuebingen Variant Classification Criteria Version 2. Collection method: clinical testing. Allele origin: germline. Affected: yes. Observed: 2 variant alleles.
Comment: IKZF3: BP4, BP7, BS2

Labcorp Genetics (formerly Invitae), Labcorp
Classification: Benign. Last evaluated: 2018-08-08. Review status: criteria provided, single submitter. Criteria: Invitae Variant Classification Sherloc (09022015). Collection method: clinical testing. Allele origin: germline.

Breakthrough Genomics
Classification: Benign. Review status: criteria provided, single submitter. Criteria: ACMG Guidelines, 2015. Collection method: not provided. Allele origin: germline. Inheritance: Autosomal dominant inheritance. Affected: yes.